The following is an entry in ClinVar:

NM_016138.5(COQ7):c.178G>A (p.Glu60Lys)

Gene: COQ7 (coenzyme Q7, hydroxylase; plus strand). Cytogenetic location: 16p12.3.
Variant type: single nucleotide variant.
Coding change: c.178G>A on transcript NM_016138.5 (MANE Select); coding-DNA position 178, G replaced by A.
Protein change: p.Glu60Lys; replaces glutamic acid 60 with lysine.
Molecular consequence: missense variant. On other transcripts: non-coding transcript variant (3).
Genome position (GRCh38, 1-based): chr16:19,072,032, G>A. VCF-style: chr16-19072032-G-A. GRCh37 (hg19) VCF-style: chr16-19083354-G-A.
Other names: c.64G>A, p.Glu22Lys (NM_001190983.2, NM_001370492.1, NM_001370493.1 and 2 more transcripts); c.136G>A, p.Glu46Lys (NM_001370489.1, NM_001370491.1); c.178G>A, p.Glu60Lys (NM_001370490.1); short protein forms E46K, E22K, E60K.
Identifiers: ClinVar variation 1521009 (VCV001521009.7), dbSNP rs201819287, ClinGen allele CA7932904.

ClinVar aggregate classification (germline): Uncertain significance (1 of 4 stars; one submission).

Allele frequency attached by ClinVar (database versions not stated): gnomAD exomes below 0.00001 and 0.00001; gnomAD 0.00001 and 0.00002; TOPMed 0.00001; ExAC 0.00002; 1000 Genomes Project 30x 0.00016; 1000 Genomes Project 0.00020.
gnomAD v4.1: 9 of 1,614,228 alleles (0.00056%); highest among the groups gnomAD compares: East Asian, 0.0022%; no homozygotes.

Submission:

Labcorp Genetics (formerly Invitae), Labcorp
Classification: Uncertain significance. Last evaluated: 2022-02-04. Review status: criteria provided, single submitter. Criteria: Invitae Variant Classification Sherloc (09022015). Collection method: clinical testing. Allele origin: germline.
Comment: In summary, the available evidence is currently insufficient to determine the role of this variant in disease. Therefore, it has been classified as a Variant of Uncertain Significance. Algorithms developed to predict the effect of missense changes on protein structure and function (SIFT, PolyPhen-2, Align-GVGD) all suggest that this variant is likely to be disruptive. This variant has not been reported in the literature in individuals affected with COQ7-related conditions. This variant is present in population databases (rs201819287, gnomAD 0.0009%). This sequence change replaces glutamic acid, which is acidic and polar, with lysine, which is basic and polar, at codon 60 of the COQ7 protein (p.Glu60Lys).